The following is an entry in ClinVar:

ClinVar aggregate classification (germline): Conflicting classifications of pathogenicity. Review status: criteria provided, conflicting classifications (1 of 4 stars). 2 submissions from 2 submitters: Uncertain significance (1); Likely benign (1). Last evaluated 2025-09-11.

Conditions:
Cardiovascular phenotype. Identifiers: MedGen CN230736.

Allele frequency attached by ClinVar (database versions not stated): ExAC 0.00001; gnomAD exomes below 0.00001; TOPMed 0.00002; gnomAD 0.00001.
gnomAD v4.1: 6 of 1,568,728 alleles (0.00038%); highest among the groups gnomAD compares: East Asian, 0.0045%; no homozygotes.

Submissions (2):

Labcorp Genetics (formerly Invitae), Labcorp
Classification: Uncertain significance. Last evaluated: 2025-09-11. Review status: criteria provided, single submitter. Criteria: Invitae Variant Classification Sherloc (09022015). Collection method: clinical testing. Allele origin: germline.
Comment: This sequence change replaces alanine, which is neutral and non-polar, with threonine, which is neutral and polar, at codon 1320 of the ALPK3 protein (p.Ala1320Thr). The frequency data for this variant in the population databases is considered unreliable, as metrics indicate poor data quality at this position in the gnomAD database. This variant has not been reported in the literature in individuals affected with ALPK3-related conditions. ClinVar contains an entry for this variant (Variation ID: 2488931). Invitae Evidence Modeling of protein sequence and biophysical properties (such as structural, functional, and spatial information, amino acid conservation, physicochemical variation, residue mobility, and thermodynamic stability) indicates that this missense variant is not expected to disrupt ALPK3 protein function with a negative predictive value of 80%. In summary, the available evidence is currently insufficient to determine the role of this variant in disease. Therefore, it has been classified as a Variant of Uncertain Significance.

Ambry Genetics
Classification: Likely benign for Cardiovascular phenotype. Last evaluated: 2024-10-18. Review status: criteria provided, single submitter. Criteria: Ambry Variant Classification Scheme 2023. Collection method: clinical testing. Allele origin: germline.

NM_020778.5(ALPK3):c.3352G>A (p.Ala1118Thr)

Gene: ALPK3 (alpha kinase 3; plus strand). Cytogenetic location: 15q25.3.
Variant type: single nucleotide variant.
Coding change: c.3352G>A on transcript NM_020778.5 (MANE Select); coding-DNA position 3352, G replaced by A.
Protein change: p.Ala1118Thr; replaces alanine 1118 with threonine.
Molecular consequence: missense variant.
Genome position (GRCh38, 1-based): chr15:84,858,090, G>A. VCF-style: chr15-84858090-G-A. GRCh37 (hg19) VCF-style: chr15-85401321-G-A.
Other names: short protein forms A1118T.
Identifiers: ClinVar variation 2488931 (VCV002488931.4), dbSNP rs754970719, ClinGen allele CA7709606.